The following is an entry in ClinVar:

ClinVar aggregate classification (germline): Uncertain significance (1 of 4 stars; one submission).

Allele frequency attached by ClinVar (database versions not stated): gnomAD 0.00003; gnomAD exomes 0.00005; ExAC 0.00007; ESP Exome Variant Server 0.00008; TOPMed 0.00008.
gnomAD v4.1: 78 of 1,614,004 alleles (0.0048%); highest among the groups gnomAD compares: Admixed American, 0.032%; no homozygotes.

Submission:

Labcorp Genetics (formerly Invitae), Labcorp
Classification: Uncertain significance. Last evaluated: 2023-12-21. Review status: criteria provided, single submitter. Criteria: Invitae Variant Classification Sherloc (09022015). Collection method: clinical testing. Allele origin: germline.
Comment: This sequence change replaces arginine, which is basic and polar, with glutamine, which is neutral and polar, at codon 1131 of the NIN protein (p.Arg1131Gln). This variant is present in population databases (rs142641889, gnomAD 0.04%). This variant has not been reported in the literature in individuals affected with NIN-related conditions. ClinVar contains an entry for this variant (Variation ID: 2421474). Algorithms developed to predict the effect of missense changes on protein structure and function output the following: SIFT: "Not Available"; PolyPhen-2: "Benign"; Align-GVGD: "Not Available". The glutamine amino acid residue is found in multiple mammalian species, which suggests that this missense change does not adversely affect protein function. In summary, the available evidence is currently insufficient to determine the role of this variant in disease. Therefore, it has been classified as a Variant of Uncertain Significance.

NM_020921.4(NIN):c.3392G>A (p.Arg1131Gln)

Gene: NIN (ninein; minus strand). Cytogenetic location: 14q22.1.
Variant type: single nucleotide variant.
Coding change: c.3392G>A on transcript NM_020921.4 (MANE Select); coding-DNA position 3392, G replaced by A.
Protein change: p.Arg1131Gln; replaces arginine 1131 with glutamine.
Molecular consequence: missense variant. On other transcripts: intron variant (1).
Genome position (GRCh38, 1-based): chr14:50,757,638, C>T on the plus strand (G>A on the coding strand, the complement: NIN is on the minus strand). VCF-style: chr14-50757638-C-T. GRCh37 (hg19) VCF-style: chr14-51224356-C-T.
Other names: c.3392G>A, p.Arg1131Gln (NM_182944.3, NM_182946.2); c.2399+2219G>A (NM_016350.5); short protein forms R1131Q.
Identifiers: ClinVar variation 2421474 (VCV002421474.6), dbSNP rs142641889, ClinGen allele CA7181746.